The following is an entry in ClinVar:

ClinVar aggregate classification (germline): Uncertain significance. Review status: criteria provided, multiple submitters, no conflicts (2 of 4 stars). 2 submissions from 2 submitters: Uncertain significance (2). Last evaluated 2025-02-20.

Conditions:
Hereditary cancer-predisposing syndrome. Also called: Hereditary Cancer Syndrome; Hereditary neoplastic syndrome; Neoplastic Syndromes, Hereditary; Tumor predisposition. Identifiers: Orphanet 140162, MedGen C0027672, MeSH D009386, MONDO:0015356.
Oligodontia-cancer predisposition syndrome. Also called: TOOTH AGENESIS-COLORECTAL CANCER SYNDROME. Identifiers: Orphanet 300576, MedGen C1837750, MONDO:0012075, OMIM 608615. Disease mechanism: loss of function.

gnomAD v4.1: 1 of 1,614,070 alleles (0.000062%); highest among the groups gnomAD compares: Non-Finnish European, 0.000085%; no homozygotes.

Submissions (2):

Ambry Genetics
Classification: Uncertain significance for Hereditary cancer-predisposing syndrome. Last evaluated: 2025-02-20. Review status: criteria provided, single submitter. Criteria: Ambry Variant Classification Scheme 2023. Collection method: clinical testing. Allele origin: germline.
Comment: The p.S193F variant (also known as c.578C>T), located in coding exon 1 of the AXIN2 gene, results from a C to T substitution at nucleotide position 578. The serine at codon 193 is replaced by phenylalanine, an amino acid with highly dissimilar properties. This amino acid position is conserved. In addition, this alteration is predicted to be deleterious by in silico analysis. Based on the available evidence, the clinical significance of this variant remains unclear.

Labcorp Genetics (formerly Invitae), Labcorp
Classification: Uncertain significance for Oligodontia-cancer predisposition syndrome. Last evaluated: 2024-08-31. Review status: criteria provided, single submitter. Criteria: Invitae Variant Classification Sherloc (09022015). Collection method: clinical testing. Allele origin: germline.
Comment: This sequence change replaces serine, which is neutral and polar, with phenylalanine, which is neutral and non-polar, at codon 193 of the AXIN2 protein (p.Ser193Phe). This variant is not present in population databases (gnomAD no frequency). This variant has not been reported in the literature in individuals affected with AXIN2-related conditions. ClinVar contains an entry for this variant (Variation ID: 1749645). Invitae Evidence Modeling of protein sequence and biophysical properties (such as structural, functional, and spatial information, amino acid conservation, physicochemical variation, residue mobility, and thermodynamic stability) indicates that this missense variant is expected to disrupt AXIN2 protein function with a positive predictive value of 80%. In summary, the available evidence is currently insufficient to determine the role of this variant in disease. Therefore, it has been classified as a Variant of Uncertain Significance.

NM_004655.4(AXIN2):c.578C>T (p.Ser193Phe)

Gene: AXIN2 (axin 2; minus strand). Cytogenetic location: 17q24.1.
Variant type: single nucleotide variant.
Coding change: c.578C>T on transcript NM_004655.4 (MANE Select); coding-DNA position 578, C replaced by T.
Protein change: p.Ser193Phe; replaces serine 193 with phenylalanine.
Molecular consequence: missense variant.
Genome position (GRCh38, 1-based): chr17:65,558,043, G>A on the plus strand (C>T on the coding strand, the complement: AXIN2 is on the minus strand). VCF-style: chr17-65558043-G-A. GRCh37 (hg19) VCF-style: chr17-63554161-G-A.
Other names: c.578C>T, p.Ser193Phe (NM_001363813.1); short protein forms S193F.
Identifiers: ClinVar variation 1749645 (VCV001749645.8), dbSNP rs1598119405, ClinGen allele CA400680812.